The following is an entry in ClinVar:

ClinVar aggregate classification (germline): Pathogenic (1 of 4 stars; one submission).

Conditions:
Ciliopathy. Also called: Ciliopathies. Identifiers: Orphanet 363250, MedGen C4277690, MONDO:0005308, MeSH D000072661.

Submission:

Myriad Genetics, Inc.
Classification: Pathogenic for Ciliopathy. Last evaluated: 2025-10-29. Review status: criteria provided, single submitter. Criteria: Myriad Autosomal Dominant, Autosomal Recessive and X-Linked Classification Criteria (2023). Collection method: clinical testing. Allele origin: unknown.
Comment: NM_017777.3(MKS1):c.827_828dupAG(E277Rfs*24) is expected to be pathogenic in the context of MKS1-related disorders. This variant is predicted to lead to an abnormal or absent protein product due to the creation of a premature termination codon in MKS1, a gene where loss-of-function variants are known to be pathogenic. Please note: this variant was assessed in the context of healthy population screening.

NM_017777.4(MKS1):c.827_828dup (p.Glu277fs)

Gene: MKS1 (MKS transition zone complex subunit 1; minus strand). Cytogenetic location: 17q22.
Variant type: Duplication.
Coding change: c.827_828dup on transcript NM_017777.4 (MANE Select); coding-DNA positions 827 to 828, 2 bases duplicated (AG; older notation c.827_828dupAG).
Protein change: p.Glu277fs; shifts the reading frame from glutamic acid 277.
Molecular consequence: frameshift variant.
Genome position (GRCh38, 1-based): chr17:58,213,012-58,213,013, CT duplicated on the plus strand (AG on the coding strand, the reverse complement: MKS1 is on the minus strand); duplicating any 2 consecutive bases within chr17:58,213,012-58,213,014 gives the same sequence; the c. name uses the placement nearest the transcript's 3' end. VCF-style (leftmost placement, unchanged base first): chr17-58213011-C-CCT. GRCh37 (hg19) VCF-style: chr17-56290372-C-CCT.
Other names: c.218_219dup, p.Glu74fs (NM_001321268.2); c.827_828dup, p.Glu277fs (NM_001321269.2, NM_001330397.2, NM_001411113.1); short protein forms E277fs, E74fs.
Identifiers: ClinVar variation 5015154 (VCV005015154.1).